The following is an entry in ClinVar:

NM_007055.4(POLR3A):c.128G>A (p.Ser43Asn)

Gene: POLR3A (RNA polymerase III subunit A; minus strand). Cytogenetic location: 10q22.3.
Variant type: single nucleotide variant.
Coding change: c.128G>A on transcript NM_007055.4 (MANE Select); coding-DNA position 128, G replaced by A.
Protein change: p.Ser43Asn; replaces serine 43 with asparagine.
Molecular consequence: missense variant.
Genome position (GRCh38, 1-based): chr10:78,026,146, C>T on the plus strand (G>A on the coding strand, the complement: POLR3A is on the minus strand). VCF-style: chr10-78026146-C-T. GRCh37 (hg19) VCF-style: chr10-79785904-C-T.
Other names: short protein forms S43N.
Identifiers: ClinVar variation 1447026 (VCV001447026.6), dbSNP rs566082186, ClinGen allele CA5571792.
Genomic context (GRCh38, chr10:78,026,146, plus strand): 5'-GGCCTTACCATCCTATGGTCGAGCACCCCATATAGCAAGGGGGCATGTTGGTTGTCCTGG[C>T]TGTACAGGTTCTTACTCACAACTTGGATGTGCGCCTGCTGGCGCATCTCCTCAGGTGACT-3'
Protein context (NP_008986.2, residues 33-53): HIQVVSKNLY[Ser43Asn]QDNQHAPLLY

ClinVar aggregate classification (germline): Uncertain significance (1 of 4 stars; one submission).

Allele frequency attached by ClinVar (database versions not stated): gnomAD exomes 0.00003 and 0.00007; gnomAD 0.00007 and 0.00008; TOPMed 0.00008; ExAC 0.00010; 1000 Genomes Project 30x 0.00016; 1000 Genomes Project 0.00020.

Submission:

Labcorp Genetics (formerly Invitae), Labcorp
Classification: Uncertain significance. Last evaluated: 2024-01-09. Review status: criteria provided, single submitter. Criteria: Invitae Variant Classification Sherloc (09022015). Collection method: clinical testing. Allele origin: germline.
Comment: This sequence change replaces serine, which is neutral and polar, with asparagine, which is neutral and polar, at codon 43 of the POLR3A protein (p.Ser43Asn). This variant is present in population databases (rs566082186, gnomAD 0.1%). This variant has not been reported in the literature in individuals affected with POLR3A-related conditions. ClinVar contains an entry for this variant (Variation ID: 1447026). Advanced modeling of protein sequence and biophysical properties (such as structural, functional, and spatial information, amino acid conservation, physicochemical variation, residue mobility, and thermodynamic stability) performed at Invitae indicates that this missense variant is not expected to disrupt POLR3A protein function with a negative predictive value of 80%. In summary, the available evidence is currently insufficient to determine the role of this variant in disease. Therefore, it has been classified as a Variant of Uncertain Significance.